The following is an entry in ClinVar:

NM_001142864.4(PIEZO1):c.7093G>A (p.Gly2365Arg)

Gene: PIEZO1 (piezo type mechanosensitive ion channel component 1 (Er blood group); minus strand). Cytogenetic location: 16q24.3.
Variant type: single nucleotide variant.
Coding change: c.7093G>A on transcript NM_001142864.4 (MANE Select); coding-DNA position 7093, G replaced by A.
Protein change: p.Gly2365Arg; replaces glycine 2365 with arginine.
Molecular consequence: missense variant.
Genome position (GRCh38, 1-based): chr16:88,716,234, C>T on the plus strand (G>A on the coding strand, the complement: PIEZO1 is on the minus strand). VCF-style: chr16-88716234-C-T. GRCh37 (hg19) VCF-style: chr16-88782642-C-T.
Other names: c.5635G>A, p.Gly1879Arg (NM_014745.1); short protein forms G1879R, G2365R.
Identifiers: ClinVar variation 2689708 (VCV002689708.5), dbSNP rs1292201259, ClinGen allele CA397073626.

ClinVar aggregate classification (germline): Conflicting classifications of pathogenicity. Review status: criteria provided, conflicting classifications (1 of 4 stars). 4 submissions from 4 submitters: Uncertain significance (3); Benign (1). Last evaluated 2025-11-04.

Conditions:
Dehydrated hereditary stomatocytosis with or without pseudohyperkalemia and/or perinatal edema (DHS1). Also called: Dehydrated hereditary stomatocytosis 1 with or without pseudohyperkalemia and/or perinatal edema; DEHYDRATED HEREDITARY STOMATOCYTOSIS WITH PSEUDOHYPERKALEMIA AND PERINATAL EDEMA; Pseudohyperkalemia, familial, 1, due to red cell leak; PSEUDOHYPERKALEMIA EDINBURGH; DEHYDRATED HEREDITARY STOMATOCYTOSIS AND PSEUDOHYPERKALEMIA. Identifiers: Orphanet 3202, MedGen C4551512, MONDO:0008689, OMIM 194380.

Allele frequency attached by ClinVar (database versions not stated): gnomAD 0.00001; gnomAD exomes 0.00002; TOPMed 0.00002.
gnomAD v4.1: 29 of 1,496,132 alleles (0.0019%); highest among the groups gnomAD compares: African/African-American, 0.0042%; no homozygotes.

Submissions (4):

Clinical Genetics Laboratory, University Hospital Schleswig-Holstein
Classification: Uncertain significance for Dehydrated hereditary stomatocytosis with or without pseudohyperkalemia and/or perinatal edema. Last evaluated: 2025-11-04. Review status: criteria provided, single submitter. Criteria: ACMG Guidelines, 2015. Collection method: clinical testing. Allele origin: germline. Affected: yes. Observed: 1 heterozygote.
Comment: ACMG criteria applied: PM2, PP3

Labcorp Genetics (formerly Invitae), Labcorp
Classification: Benign. Last evaluated: 2025-09-17. Review status: criteria provided, single submitter. Criteria: Invitae Variant Classification Sherloc (09022015). Collection method: clinical testing. Allele origin: germline.

ARUP Laboratories, Molecular Genetics and Genomics, ARUP Laboratories
Classification: Uncertain significance. Last evaluated: 2024-10-04. Review status: criteria provided, single submitter. Criteria: ARUP Molecular Germline Variant Investigation Process 2024. Collection method: clinical testing. Allele origin: germline.
Comment: The PIEZO1 c.7093G>A; p.Gly2365Arg variant (rs1292201259), to our knowledge, is not reported in the medical literature or gene specific databases. This variant is found in the general population with an overall allele frequency of 0.00360% (4/112,646 alleles) in the Genome Aggregation Database (v2.1.1). This is a missense variant and computational analyses (Alamut Visual Plus v.1.5.1) predict that this variant may impact splicing by creating a novel cryptic acceptor splice site. Due to limited information, the clinical significance of this variant is uncertain at this time.

Revvity Omics, Revvity
Classification: Uncertain significance. Last evaluated: 2023-06-21. Review status: criteria provided, single submitter. Criteria: ACMG Guidelines, 2015. Collection method: clinical testing. Allele origin: germline.